The following is an entry in ClinVar:

NM_014244.5(ADAMTS2):c.3544C>T (p.Arg1182Ter)

Gene: ADAMTS2 (ADAM metallopeptidase with thrombospondin type 1 motif 2; minus strand). Cytogenetic location: 5q35.3.
Variant type: single nucleotide variant.
Coding change: c.3544C>T on transcript NM_014244.5 (MANE Select); coding-DNA position 3544, C replaced by T.
Protein change: p.Arg1182Ter; replaces arginine 1182 with a stop codon.
Molecular consequence: nonsense.
Genome position (GRCh38, 1-based): chr5:179,113,959, G>A on the plus strand (C>T on the coding strand, the complement: ADAMTS2 is on the minus strand). VCF-style: chr5-179113959-G-A. GRCh37 (hg19) VCF-style: chr5-178540960-G-A.
Other names: short protein forms R1182*.
Identifiers: ClinVar variation 537398 (VCV000537398.8), dbSNP rs367553801, ClinGen allele CA3595209.

ClinVar aggregate classification (germline): Conflicting classifications of pathogenicity. Review status: criteria provided, conflicting classifications (1 of 4 stars). 4 submissions from 4 submitters: Likely pathogenic (1); Uncertain significance (2). 1 of the submissions does not count toward it. Last evaluated 2023-02-24.

Conditions:
Ehlers-Danlos syndrome, dermatosparaxis type. Also called: EDS VIIC; Dermatosparaxis; Ehlers-Danlos syndrome, type VII, autosomal recessive. Identifiers: Orphanet 1901, MedGen C2700425, MONDO:0009161, OMIM 225410.

Allele frequency attached by ClinVar (database versions not stated): gnomAD 0.00001; gnomAD exomes 0.00004 and 0.00007; ExAC 0.00007; ESP Exome Variant Server 0.00008.

Submissions (4):

Department of Pathology and Laboratory Medicine, Sinai Health System
Classification: Likely pathogenic for Ehlers-Danlos syndrome, dermatosparaxis type. Last evaluated: 2023-02-24. Review status: criteria provided, single submitter. Criteria: ACMG Guidelines, 2015. Collection method: research. Allele origin: germline.

Labcorp Genetics (formerly Invitae), Labcorp
Classification: Uncertain significance for Ehlers-Danlos syndrome, dermatosparaxis type. Last evaluated: 2022-06-13. Review status: criteria provided, single submitter. Criteria: Invitae Variant Classification Sherloc (09022015). Collection method: clinical testing. Allele origin: germline.
Comment: This sequence change creates a premature translational stop signal (p.Arg1182*) in the ADAMTS2 gene. While this is not anticipated to result in nonsense mediated decay, it is expected to disrupt the last 30 amino acid(s) of the ADAMTS2 protein. This variant is present in population databases (rs367553801, gnomAD 0.02%). This variant has not been reported in the literature in individuals affected with ADAMTS2-related conditions. ClinVar contains an entry for this variant (Variation ID: 537398). In summary, the available evidence is currently insufficient to determine the role of this variant in disease. Therefore, it has been classified as a Variant of Uncertain Significance.

Fulgent Genetics
Classification: Uncertain significance for Ehlers-Danlos syndrome, dermatosparaxis type. Last evaluated: 2021-08-12. Review status: criteria provided, single submitter. Criteria: ACMG Guidelines, 2015. Collection method: clinical testing. Allele origin: unknown.

Natera, Inc.
Classification: Uncertain significance for Ehlers-Danlos syndrome type VIIC. Last evaluated: 2019-10-28. Review status: no assertion criteria provided. Collection method: clinical testing. Allele origin: germline. Not counted in ClinVar's aggregate classification.